The following is an entry in ClinVar:

ClinVar aggregate classification (germline): Uncertain significance (1 of 4 stars; one submission).

Conditions:
Immunodeficiency 39 (IMD39). Identifiers: Orphanet 574918, MedGen C4225358, MONDO:0014597, OMIM 616345.

gnomAD v4.1: 14 of 1,580,498 alleles (0.00089%); highest among the groups gnomAD compares: East Asian, 0.032%; no homozygotes.

Submission:

Labcorp Genetics (formerly Invitae), Labcorp
Classification: Uncertain significance for Immunodeficiency 39. Last evaluated: 2024-02-02. Review status: criteria provided, single submitter. Criteria: Invitae Variant Classification Sherloc (09022015). Collection method: clinical testing. Allele origin: germline.
Comment: This sequence change replaces arginine, which is basic and polar, with threonine, which is neutral and polar, at codon 20 of the IRF7 protein (p.Arg20Thr). This variant is present in population databases (no rsID available, gnomAD 0.007%). This variant has not been reported in the literature in individuals affected with IRF7-related conditions. An algorithm developed to predict the effect of missense changes on protein structure and function (PolyPhen-2) suggests that this variant is likely to be tolerated. In summary, the available evidence is currently insufficient to determine the role of this variant in disease. Therefore, it has been classified as a Variant of Uncertain Significance.

NM_001572.5(IRF7):c.21-1G>C

Gene: IRF7 (interferon regulatory factor 7; minus strand). Cytogenetic location: 11p15.5.
Variant type: single nucleotide variant.
Coding change: c.21-1G>C on transcript NM_001572.5 (MANE Select); the canonical splice acceptor site of the intron before coding-DNA position 21, G replaced by C.
Molecular consequence: splice acceptor variant. On other transcripts: missense variant (1).
Genome position (GRCh38, 1-based): chr11:615,260, C>G on the plus strand (G>C on the coding strand, the complement: IRF7 is on the minus strand). VCF-style: chr11-615260-C-G. GRCh37 (hg19) VCF-style: chr11-615260-C-G.
Other names: c.59G>C, p.Arg20Thr (NM_004031.4); c.21-1G>C (NM_004029.4); short protein forms R20T.
Identifiers: ClinVar variation 3702076 (VCV003702076.2).
Genomic context (GRCh38, chr11:615,260, plus strand): 5'-TAGCAGCCGCTGCTGATCTCTCCAAGGAGCCACTCTCCGAACAGCACGCGTGGGGCTGCC[C>G]TGCGGGTGCCCGGCCGCGGAGAGTCAGGGCCGGCTGCAGGGCGCTCGGGGACTGGCATCT-3'